The following is an entry in ClinVar:

NM_000245.4(MET):c.3199C>G (p.Gln1067Glu)

Gene: MET (MET proto-oncogene, receptor tyrosine kinase; plus strand). Cytogenetic location: 7q31.2.
Variant type: single nucleotide variant.
Coding change: c.3199C>G on transcript NM_000245.4 (MANE Select); coding-DNA position 3199, C replaced by G.
Protein change: p.Gln1067Glu; replaces glutamine 1067 with glutamic acid.
Molecular consequence: missense variant.
Genome position (GRCh38, 1-based): chr7:116,775,051, C>G. VCF-style: chr7-116775051-C-G. GRCh37 (hg19) VCF-style: chr7-116415105-C-G.
Other names: c.3253C>G, p.Gln1085Glu (NM_001127500.3); c.1909C>G, p.Gln637Glu (NM_001324402.2); short protein forms Q1067E, Q1085E, Q637E.
Identifiers: ClinVar variation 1021685 (VCV001021685.8), dbSNP rs45628136, ClinGen allele CA368988603.

ClinVar aggregate classification (germline): Uncertain significance (1 of 4 stars; one submission).

Conditions:
Renal cell carcinoma. Identifiers: Orphanet 217071, MedGen C0007134, MeSH D002292, MONDO:0005086, HP:0005584.

Submission:

Labcorp Genetics (formerly Invitae), Labcorp
Classification: Uncertain significance for Renal cell carcinoma. Last evaluated: 2020-03-08. Review status: criteria provided, single submitter. Criteria: Invitae Variant Classification Sherloc (09022015). Collection method: clinical testing. Allele origin: germline.
Comment: In summary, the available evidence is currently insufficient to determine the role of this variant in disease. Therefore, it has been classified as a Variant of Uncertain Significance. Algorithms developed to predict the effect of missense changes on protein structure and function (SIFT, PolyPhen-2, Align-GVGD) all suggest that this variant is likely to be tolerated, but these predictions have not been confirmed by published functional studies and their clinical significance is uncertain. This variant has not been reported in the literature in individuals with MET-related conditions. This variant is not present in population databases (ExAC no frequency). This sequence change replaces glutamine with glutamic acid at codon 1085 of the MET protein (p.Gln1085Glu). The glutamine residue is highly conserved and there is a small physicochemical difference between glutamine and glutamic acid.